The following is an entry in ClinVar:

NM_001999.4(FBN2):c.628+208G>A

Gene: FBN2 (fibrillin 2; minus strand). Cytogenetic location: 5q23.3.
Variant type: single nucleotide variant.
Coding change: c.628+208G>A on transcript NM_001999.4 (MANE Select); 208 bases into the intron after coding-DNA position 628, G replaced by A.
Molecular consequence: intron variant.
Genome position (GRCh38, 1-based): chr5:128,519,065, C>T on the plus strand (G>A on the coding strand, the complement: FBN2 is on the minus strand). VCF-style: chr5-128519065-C-T. GRCh37 (hg19) VCF-style: chr5-127854758-C-T.
Identifiers: ClinVar variation 674265 (VCV000674265.1), dbSNP rs6864831, ClinGen allele CA11980869.

ClinVar aggregate classification (germline): Benign (1 of 4 stars; one submission).

Allele frequency attached by ClinVar (database versions not stated): 1000 Genomes Project 0.33387; 1000 Genomes Project 30x 0.33729; gnomAD 0.34131 and 0.34456; TOPMed 0.34528.
gnomAD v4.1: 51,804 of 151,918 alleles (34%); highest among the groups gnomAD compares: African/African-American, 47%; 9,389 homozygotes.

Submission:

GeneDx
Classification: Benign. Last evaluated: 2018-06-14. Review status: criteria provided, single submitter. Criteria: GeneDx Variant Classification (06012015). Collection method: clinical testing. Allele origin: germline. Affected: yes.
Comment: This variant is considered likely benign or benign based on one or more of the following criteria: it is a conservative change, it occurs at a poorly conserved position in the protein, it is predicted to be benign by multiple in silico algorithms, and/or has population frequency not consistent with disease.